The following is an entry in ClinVar:

NM_005045.4(RELN):c.227-3C>T

Gene: RELN (reelin; minus strand). Cytogenetic location: 7q22.1.
Variant type: single nucleotide variant.
Coding change: c.227-3C>T on transcript NM_005045.4 (MANE Select); 3 bases into the intron before coding-DNA position 227, C replaced by T.
Molecular consequence: intron variant.
Genome position (GRCh38, 1-based): chr7:103,917,188, G>A on the plus strand (C>T on the coding strand, the complement: RELN is on the minus strand). VCF-style: chr7-103917188-G-A. GRCh37 (hg19) VCF-style: chr7-103557635-G-A.
Other names: c.227-3C>T (NM_173054.3).
Identifiers: ClinVar variation 2179028 (VCV002179028.12), dbSNP rs761551974, ClinGen allele CA4422648.
Genomic context (GRCh38, chr7:103,917,188, plus strand): 5'-GATGTGTATAGTCCTGTCACCAGCAAGCCGTCAAAAAAGGTGCTTGTTGAAATTGTCACT[G>A]AAATGTAAGAAAGAAAAAAAAAACTCTCAATACAGTCAGAATAACACAATATATTTCTGA-3'

ClinVar aggregate classification (germline): Uncertain significance. Review status: criteria provided, multiple submitters, no conflicts (2 of 4 stars). 2 submissions from 2 submitters: Uncertain significance (2). Last evaluated 2025-08-01.

Conditions:
Familial temporal lobe epilepsy 7. Identifiers: Orphanet 101046, MedGen C4225327, MONDO:0014639, OMIM 616436.
Norman-Roberts syndrome (LIS2). Also called: Lissencephaly 2 (Norman-Roberts type). Identifiers: Orphanet 89844, MedGen C0796089, MONDO:0009760, OMIM 257320.

Allele frequency attached by ClinVar (database versions not stated): TOPMed below 0.00001; ExAC 0.00001.

Submissions (2):

CeGaT Center for Human Genetics Tuebingen
Classification: Uncertain significance. Last evaluated: 2025-08-01. Review status: criteria provided, single submitter. Criteria: CeGaT Center For Human Genetics Tuebingen Variant Classification Criteria Version 2. Collection method: clinical testing. Allele origin: germline. Affected: yes. Observed: 1 variant allele.
Comment: RELN: PM2, BP4

Labcorp Genetics (formerly Invitae), Labcorp
Classification: Uncertain significance for Familial temporal lobe epilepsy 7; Norman-Roberts syndrome. Last evaluated: 2024-11-16. Review status: criteria provided, single submitter. Criteria: Invitae Variant Classification Sherloc (09022015). Collection method: clinical testing. Allele origin: germline.
Comment: This sequence change falls in intron 1 of the RELN gene. It does not directly change the encoded amino acid sequence of the RELN protein. It affects a nucleotide within the consensus splice site. This variant is not present in population databases (gnomAD no frequency). This variant has not been reported in the literature in individuals affected with RELN-related conditions. ClinVar contains an entry for this variant (Variation ID: 2179028). Variants that disrupt the consensus splice site are a relatively common cause of aberrant splicing (PMID: 17576681, 9536098). Algorithms developed to predict the effect of sequence changes on RNA splicing suggest that this variant is not likely to affect RNA splicing. In summary, the available evidence is currently insufficient to determine the role of this variant in disease. Therefore, it has been classified as a Variant of Uncertain Significance.

Literature cited by the submitters: PubMed 17576681 (cited by Labcorp Genetics (formerly Invitae), Labcorp); PubMed 9536098 (cited by Labcorp Genetics (formerly Invitae), Labcorp).